The following is an entry in ClinVar:

NM_006015.6(ARID1A):c.185C>T (p.Ala62Val)

Gene: ARID1A (AT-rich interaction domain 1A; plus strand). Cytogenetic location: 1p36.11.
Variant type: single nucleotide variant.
Coding change: c.185C>T on transcript NM_006015.6 (MANE Select); coding-DNA position 185, C replaced by T.
Protein change: p.Ala62Val; replaces alanine 62 with valine.
Molecular consequence: missense variant.
Genome position (GRCh38, 1-based): chr1:26,696,588, C>T. VCF-style: chr1-26696588-C-T. GRCh37 (hg19) VCF-style: chr1-27023079-C-T.
Other names: c.185C>T, p.Ala62Val (NM_139135.4); short protein forms A62V.
Identifiers: ClinVar variation 1707946 (VCV001707946.5), dbSNP rs2124740641, ClinGen allele CA339264583.
Genomic context (GRCh38, chr1:26,696,588, plus strand): 5'-CGGCAGCGGCCGAGCGCGGGGAAATGAAGGCAGCCGCCGGGCAGGAAAGCGAGGGCCCCG[C>T]CGTGGGGCCGCCGCAGCCGCTGGGAAAGGAGCTGCAGGACGGGGCCGAGAGCAATGGGGG-3'
Protein context (NP_006006.3, residues 52-72): AAAGQESEGP[Ala62Val]VGPPQPLGKE

ClinVar aggregate classification (germline): Uncertain significance. Review status: criteria provided, multiple submitters, no conflicts (2 of 4 stars). 2 submissions from 2 submitters: Uncertain significance (2). Last evaluated 2022-12-27.

Submissions (2):

Labcorp Genetics (formerly Invitae), Labcorp
Classification: Uncertain significance. Last evaluated: 2022-12-27. Review status: criteria provided, single submitter. Criteria: Invitae Variant Classification Sherloc (09022015). Collection method: clinical testing. Allele origin: germline.
Comment: This sequence change replaces alanine, which is neutral and non-polar, with valine, which is neutral and non-polar, at codon 62 of the ARID1A protein (p.Ala62Val). The frequency data for this variant in the population databases is considered unreliable, as metrics indicate insufficient coverage at this position in the gnomAD database. This variant has not been reported in the literature in individuals affected with ARID1A-related conditions. ClinVar contains an entry for this variant (Variation ID: 1707946). Advanced modeling of protein sequence and biophysical properties (such as structural, functional, and spatial information, amino acid conservation, physicochemical variation, residue mobility, and thermodynamic stability) performed at Invitae indicates that this missense variant is not expected to disrupt ARID1A protein function. In summary, the available evidence is currently insufficient to determine the role of this variant in disease. Therefore, it has been classified as a Variant of Uncertain Significance.

GeneDx
Classification: Uncertain significance. Last evaluated: 2022-04-01. Review status: criteria provided, single submitter. Criteria: GeneDx Variant Classification Process June 2021. Collection method: clinical testing. Allele origin: germline. Affected: yes.
Comment: Has not been previously published as pathogenic or benign to our knowledge; Not observed at significant frequency in large population cohorts (gnomAD); In silico analysis supports that this missense variant does not alter protein structure/function